The following is an entry in ClinVar:

NM_001943.5(DSG2):c.1564G>C (p.Gly522Arg)

Gene: DSG2 (desmoglein 2; plus strand). Cytogenetic location: 18q12.1.
Variant type: single nucleotide variant.
Coding change: c.1564G>C on transcript NM_001943.5 (MANE Select); coding-DNA position 1564, G replaced by C.
Protein change: p.Gly522Arg; replaces glycine 522 with arginine.
Molecular consequence: missense variant.
Genome position (GRCh38, 1-based): chr18:31,536,342, G>C. VCF-style: chr18-31536342-G-C. GRCh37 (hg19) VCF-style: chr18-29116305-G-C.
Other names: short protein forms G522R.
Identifiers: ClinVar variation 3386587 (VCV003386587.1).

ClinVar aggregate classification (germline): Uncertain significance (1 of 4 stars; one submission).

Conditions:
Arrhythmogenic right ventricular cardiomyopathy (ARVD). Also called: Arrhythmogenic right ventricular dysplasia; Cardiomyopathy, ARVC; Arrhythmogenic cardiomyopathy; Arrhythmogenic Right Ventricular Cardiomyopathy (ARVC). Identifiers: Orphanet 247, MedGen C0349788, MeSH D019571, MONDO:0016587. Disease mechanism: loss of function. Inheritance: Various modes of inheritance.

Submission:

All of Us Research Program, National Institutes of Health
Classification: Uncertain significance for Arrhythmogenic right ventricular cardiomyopathy. Last evaluated: 2024-04-16. Review status: criteria provided, single submitter. Criteria: ACMG Guidelines, 2015. Collection method: clinical testing. Allele origin: germline. Inheritance: Autosomal dominant inheritance. Observed: 1 variant allele, 1 heterozygote.
Comment: This missense variant replaces glycine with arginine at codon 522 of the DSG2 protein. Computational prediction suggests that this variant may not impact protein structure and function (internally defined REVEL score threshold <= 0.5, PMID: 27666373). To our knowledge, functional studies have not been reported for this variant. This variant has not been reported in individuals affected with DSG2-related disorders in the literature. This variant has not been identified in the general population by the Genome Aggregation Database (gnomAD). The available evidence is insufficient to determine the role of this variant in disease conclusively. Therefore, this variant is classified as a Variant of Uncertain Significance.

This study involves interpretation of variants in research participants for the purpose of population health screening. Participant phenotype was not available at the time of variant classification. Additional details can be found in publication PMID: 35346344, PMCID: PMC8962531